The following is an entry in ClinVar:

ClinVar aggregate classification (germline): Uncertain significance (1 of 4 stars; one submission).

Submission:

Women's Health and Genetics/Laboratory Corporation of America, LabCorp
Classification: Uncertain significance. Last evaluated: 2024-02-20. Review status: criteria provided, single submitter. Criteria: LabCorp Variant Classification Summary - May 2015. Collection method: clinical testing. Allele origin: germline.
Comment: Variant summary: EBF3 c.1297_1299delAGC (p.Ser433del) results in an in-frame deletion that is predicted to remove one amino acid from the encoded protein. The variant allele was found at a frequency of 4e-06 in 251466 control chromosomes. The available data on variant occurrences in the general population are insufficient to allow any conclusion about variant significance. To our knowledge, no occurrence of c.1297_1299delAGC in individuals affected with Hypotonia, Ataxia, And Delayed Development Syndrome and no experimental evidence demonstrating its impact on protein function have been reported. No submitters have cited clinical-significance assessments for this variant to ClinVar. Based on the evidence outlined above, the variant was classified as uncertain significance.

NM_001375380.1(EBF3):c.1321AGC[1] (p.Ser442del)

Gene: EBF3 (EBF transcription factor 3; minus strand). Cytogenetic location: 10q26.3.
Variant type: Microsatellite.
Coding change: c.1321AGC[1] on transcript NM_001375380.1 (MANE Select); one copy of the 3-base unit AGC starting at c.1321; the reference has two copies in a row; one copy, 3 bases deleted.
Protein change: p.Ser442del; deletes serine 442.
Molecular consequence: inframe deletion.
Genome position (GRCh38, 1-based): chr10:129,842,162-129,842,164, GCT deleted on the plus strand (AGC on the coding strand, the reverse complement: EBF3 is on the minus strand); deleting any 3 consecutive bases within chr10:129,842,162-129,842,168 gives the same sequence; the position shown is the placement nearest the transcript's 3' end. VCF-style (leftmost placement, unchanged base first): chr10-129842161-GGCT-G. GRCh37 (hg19) VCF-style: chr10-131640425-GGCT-G.
Other names: c.1294AGC[1], p.Ser433del (NM_001005463.3, NM_001375390.1, NM_001375392.1); c.1321AGC[1], p.Ser442del (NM_001375379.1, NM_001375389.1, NM_001375391.1); c.1297_1299delAGC (NM_001005463.3); short protein forms S433del, S442del.
Identifiers: ClinVar variation 3068910 (VCV003068910.2), dbSNP rs1298189712, ClinGen allele CA597012216.
Genomic context (GRCh38, chr10:129,842,161, plus strand): 5'-AGCATGCTGGCATACCTTGGTCGTTGGCTTGTGACGTCTCTGACACGTTGACGGCTAGCT[GGCT>G]GCTGAAGGAGTTGACGCCCATCATGCCCGTGTGTGCAGGGTTGTTGCCCAGGGTGGGGAT-3'